The following is an entry in ClinVar:

NM_014339.7(IL17RA):c.1530C>T (p.Asp510=)

Gene: IL17RA (interleukin 17 receptor A; plus strand). Cytogenetic location: 22q11.1.
Variant type: single nucleotide variant.
Coding change: c.1530C>T on transcript NM_014339.7 (MANE Select); coding-DNA position 1530, C replaced by T.
Protein change: p.Asp510=; no amino-acid change (aspartic acid 510 retained).
Molecular consequence: synonymous variant.
Genome position (GRCh38, 1-based): chr22:17,108,749, C>T. VCF-style: chr22-17108749-C-T. GRCh37 (hg19) VCF-style: chr22-17589639-C-T.
Other names: c.1428C>T, p.Asp476= (NM_001289905.2).
Identifiers: ClinVar variation 340600 (VCV000340600.40), dbSNP rs148319877, ClinGen allele CA10086777.
Genomic context (GRCh38, chr22:17,108,749, plus strand): 5'-CAAGAGGCCAGCCTGCTTCGGCACCTACGTAGTCTGCTACTTCAGCGAGGTCAGCTGTGA[C>T]GGCGACGTCCCCGACCTGTTCGGCGCGGCGCCGCGGTACCCGCTCATGGACAGGTTCGAG-3'
Protein context (NP_055154.3, residues 500-520): VVCYFSEVSC[Asp510=]GDVPDLFGAA

ClinVar aggregate classification (germline): Benign/Likely benign. Review status: criteria provided, multiple submitters, no conflicts (2 of 4 stars). 5 submissions from 5 submitters: Benign (1); Likely benign (2). 2 of the submissions do not count toward it. Last evaluated 2026-01-27.

Conditions:
Immunodeficiency 51 (IMD51). Also called: CANDIDIASIS, FAMILIAL, 5. Identifiers: Orphanet 1334, MedGen C4310803, MONDO:0013500, OMIM 613953.

Allele frequency attached by ClinVar (database versions not stated): 1000 Genomes Project 0.00040; 1000 Genomes Project 30x 0.00047; TOPMed 0.00173; gnomAD exomes 0.00211 and 0.00253; gnomAD 0.00213 and 0.00227; ExAC 0.00251; ESP Exome Variant Server 0.00254.
gnomAD v4.1: 3,970 of 1,611,452 alleles (0.25%); highest among the groups gnomAD compares: Non-Finnish European, 0.29%; 5 homozygotes.

Submissions (5):

Labcorp Genetics (formerly Invitae), Labcorp
Classification: Benign for Immunodeficiency 51. Last evaluated: 2026-01-27. Review status: criteria provided, single submitter. Criteria: Invitae Variant Classification Sherloc (09022015). Collection method: clinical testing. Allele origin: germline.

CeGaT Center for Human Genetics Tuebingen
Classification: Likely benign. Last evaluated: 2025-09-01. Review status: criteria provided, single submitter. Criteria: CeGaT Center For Human Genetics Tuebingen Variant Classification Criteria Version 2. Collection method: clinical testing. Allele origin: germline. Affected: yes. Observed: 3 variant alleles.
Comment: IL17RA: BP4, BP7

Blueprint Genetics
Classification: Likely benign. Last evaluated: 2024-11-26. Review status: criteria provided, single submitter. Criteria: ACMG Guidelines, 2015. Collection method: clinical testing. Allele origin: germline.

Clinical Genetics DNA and cytogenetics Diagnostics Lab, Erasmus MC, Erasmus Medical Center
Classification: Likely benign. Review status: no assertion criteria provided. Collection method: clinical testing. Allele origin: germline. Affected: yes. Study: VKGL Data-share Consensus. Not counted in ClinVar's aggregate classification.

Genome Diagnostics Laboratory, University Medical Center Utrecht
Classification: Likely benign. Review status: no assertion criteria provided. Collection method: clinical testing. Allele origin: germline. Affected: yes. Study: VKGL Data-share Consensus. Not counted in ClinVar's aggregate classification.